The following is an entry in ClinVar:

NM_000458.4(HNF1B):c.1663C>A (p.Gln555Lys)

Gene: HNF1B (HNF1 homeobox B; minus strand). Cytogenetic location: 17q12.
Variant type: single nucleotide variant.
Coding change: c.1663C>A on transcript NM_000458.4 (MANE Select); coding-DNA position 1663, C replaced by A.
Protein change: p.Gln555Lys; replaces glutamine 555 with lysine.
Molecular consequence: missense variant.
Genome position (GRCh38, 1-based): chr17:37,687,383, G>T on the plus strand (C>A on the coding strand, the complement: HNF1B is on the minus strand). VCF-style: chr17-37687383-G-T. GRCh37 (hg19) VCF-style: chr17-36047386-G-T.
Other names: c.1585C>A, p.Gln529Lys (NM_001165923.4); c.1271C>A, p.Thr424Lys (NM_001304286.2); short protein forms Q555K, T424K, Q529K.
Identifiers: ClinVar variation 290378 (VCV000290378.6), dbSNP rs886044437, ClinGen allele CA10606757.

ClinVar aggregate classification (germline): Uncertain significance/Uncertain risk allele. Review status: criteria provided, multiple submitters, no conflicts (2 of 4 stars). 2 submissions from 2 submitters: Uncertain significance (1); Uncertain risk allele (1). Last evaluated 2016-08-11.

Conditions:
Maturity-onset diabetes of the young (MODY). Also called: Maturity onset diabetes mellitus in young. Identifiers: Orphanet 552, MedGen C0342276, MONDO:0018911, HP:0004904.

Submissions (2):

Eurofins Ntd Llc (ga)
Classification: Uncertain significance. Last evaluated: 2016-08-11. Review status: criteria provided, single submitter. Criteria: EGL Classification Definitions 2015. Collection method: clinical testing. Allele origin: germline. Observed: 1 variant allele, 1 heterozygote.

Clinical Genomics, Uppaluri K&H Personalized Medicine Clinic
Classification: Uncertain risk allele for Maturity-onset diabetes of the young. Review status: criteria provided, single submitter. Criteria: K & H Uppaluri Personalized Medicine Clinic Variant Classification & Assertion Criteria_Updated V.1. Collection method: research. Allele origin: unknown. Inheritance: Autosomal dominant inheritance.
Comment: HNF1B gene mutations are associated with early onset diabetes and pancreatic atrophy. It is also associated with multiple renal manifestations including renal cysts, Tubulointerstitial disease, glomerulocystic disease, renal hypoplasia, hypomagnesemia. However no sufficient evidence is found to ascertain the role of this particular variant rs886044437, yet.

Literature cited by the submitters: PubMed 24897035 (cited by Clinical Genomics, Uppaluri K&H Personalized Medicine Clinic); PubMed 25536396 (cited by Clinical Genomics, Uppaluri K&H Personalized Medicine Clinic); PubMed 27615128 (cited by Clinical Genomics, Uppaluri K&H Personalized Medicine Clinic); PubMed 28215227 (cited by Clinical Genomics, Uppaluri K&H Personalized Medicine Clinic); PubMed 33434175 (cited by Clinical Genomics, Uppaluri K&H Personalized Medicine Clinic); PubMed 25741167 (cited by Clinical Genomics, Uppaluri K&H Personalized Medicine Clinic); PubMed 26340261 (cited by Clinical Genomics, Uppaluri K&H Personalized Medicine Clinic); PubMed 19639018 (cited by Clinical Genomics, Uppaluri K&H Personalized Medicine Clinic).